The following is an entry in ClinVar:

ClinVar aggregate classification (germline): Likely pathogenic (1 of 4 stars; one submission).

Conditions:
Kabuki syndrome 1 (KABUK1). Also called: KMT2D-Related Kabuki Syndrome. Identifiers: Orphanet 2322, MedGen CN030661, MONDO:0007843, OMIM 147920.

Submission:

Variantyx, Inc.
Classification: Likely pathogenic for Kabuki syndrome 1. Last evaluated: 2025-11-11. Review status: criteria provided, single submitter. Criteria: Variantyx Assertion Criteria 2022. Collection method: clinical testing. Allele origin: de novo. Inheritance: Autosomal dominant inheritance. Affected: yes.
Comment: This is a nonsynonymous variant in the KMT2D gene (OMIM: 602113). Pathogenic variants in this gene have been associated with autosomal dominant Kabuki syndrome 1. An alternate amino acid change at this position (p.Arg5179His) has been previously reported in similarly affected individuals, which suggests that this residue is biologically important (PMID: 23913813) (PM5). Multiple computational algorithms predict a deleterious effect for this variant (REVEL score: 0.821) (PP3). This variant is absent from control populations (PM2) and it has not been reported in individuals with KMT2D-related disorders in the databases available for review. Based on the current evidence, this variant is classified as likely pathogenic for autosomal dominant Kabuki syndrome 1.This variant was reported by previous genetic testing.

Literature cited by the submitters: PubMed 23913813.

NM_003482.4(KMT2D):c.15535C>G (p.Arg5179Gly)

Gene: KMT2D (lysine methyltransferase 2D; minus strand). Cytogenetic location: 12q13.12.
Variant type: single nucleotide variant.
Coding change: c.15535C>G on transcript NM_003482.4 (MANE Select); coding-DNA position 15535, C replaced by G.
Protein change: p.Arg5179Gly; replaces arginine 5179 with glycine.
Molecular consequence: missense variant.
Genome position (GRCh38, 1-based): chr12:49,026,431, G>C on the plus strand (C>G on the coding strand, the complement: KMT2D is on the minus strand). VCF-style: chr12-49026431-G-C. GRCh37 (hg19) VCF-style: chr12-49420214-G-C.
Other names: short protein forms R5179G.
Identifiers: ClinVar variation 4850171 (VCV004850171.1).